The following is an entry in ClinVar:

ClinVar aggregate classification (germline): Conflicting classifications of pathogenicity. Review status: criteria provided, conflicting classifications (1 of 4 stars). 4 submissions from 4 submitters: Uncertain significance (3); Likely benign (1). Last evaluated 2025-10-13.

Conditions:
Hereditary cancer-predisposing syndrome. Also called: Hereditary neoplastic syndrome; Neoplastic Syndromes, Hereditary; Tumor predisposition; Hereditary Cancer Syndrome. Identifiers: Orphanet 140162, MedGen C0027672, MeSH D009386, MONDO:0015356.
Hereditary breast ovarian cancer syndrome. Also called: Hereditary breast and ovarian cancer syndrome; Hereditary breast and/or ovarian cancer syndrome; Hereditary breast and ovarian cancer; Hereditary breast and ovarian cancer syndrome (HBOC); Breast and ovarian cancer; BRCA1- and BRCA2-Associated Hereditary Breast and Ovarian Cancer. Identifiers: Orphanet 145, MedGen C0677776, MeSH D061325, MONDO:0003582. Disease mechanism: loss of function.

Allele frequency attached by ClinVar (database versions not stated): TOPMed below 0.00001; gnomAD 0.00001.
gnomAD v4.1: 1 of 1,613,924 alleles (0.000062%); highest among the groups gnomAD compares: Non-Finnish European, 0.000085%; no homozygotes.

Submissions (4):

Labcorp Genetics (formerly Invitae), Labcorp
Classification: Uncertain significance for Hereditary breast ovarian cancer syndrome. Last evaluated: 2025-10-13. Review status: criteria provided, single submitter. Criteria: Invitae Variant Classification Sherloc (09022015). Collection method: clinical testing. Allele origin: germline.
Comment: This sequence change replaces alanine, which is neutral and non-polar, with valine, which is neutral and non-polar, at codon 302 of the BRCA1 protein (p.Ala302Val). This variant is not present in population databases (gnomAD no frequency). This variant has not been reported in the literature in individuals affected with BRCA1-related conditions. ClinVar contains an entry for this variant (Variation ID: 1035776). Invitae Evidence Modeling of protein sequence and biophysical properties (such as structural, functional, and spatial information, amino acid conservation, physicochemical variation, residue mobility, and thermodynamic stability) indicates that this missense variant is expected to disrupt BRCA1 protein function with a positive predictive value of 80%. In summary, the available evidence is currently insufficient to determine the role of this variant in disease. Therefore, it has been classified as a Variant of Uncertain Significance.

GeneDx
Classification: Uncertain significance. Last evaluated: 2025-07-11. Review status: criteria provided, single submitter. Criteria: GeneDx Variant Classification Process June 2021. Collection method: clinical testing. Allele origin: germline. Affected: yes.
Comment: Not observed at significant frequency in large population cohorts (gnomAD); In silico analysis supports that this missense variant has a deleterious effect on protein structure/function; Has not been previously published as pathogenic or benign to our knowledge; Also known as 1024C>T; This variant is associated with the following publications: (PMID: 20215511, 9582019, 9926942, 9788437, 15343273)

University of Washington Department of Laboratory Medicine, University of Washington
Classification: Likely benign for Hereditary cancer-predisposing syndrome. Last evaluated: 2023-03-23. Review status: criteria provided, single submitter. Criteria: Dines et al. (Genet Med. 2020). Collection method: curation. Allele origin: germline.
Comment: Missense variant in a coldspot region where missense variants are very unlikely to be pathogenic (PMID:31911673).

BRCA1 coldspot (exon 11 using historical exon numbering). Reclassification based on statistical prior probability

Ambry Genetics
Classification: Uncertain significance for Hereditary cancer-predisposing syndrome. Last evaluated: 2021-04-12. Review status: criteria provided, single submitter. Criteria: Ambry Variant Classification Scheme 2023. Collection method: clinical testing. Allele origin: germline.
Comment: The p.A302V variant (also known as c.905C>T), located in coding exon 9 of the BRCA1 gene, results from a C to T substitution at nucleotide position 905. The alanine at codon 302 is replaced by valine, an amino acid with similar properties. This amino acid position is well conserved in available vertebrate species. In addition, this alteration is predicted to be deleterious by in silico analysis. Since supporting evidence is limited at this time, the clinical significance of this alteration remains unclear.

NM_007294.4(BRCA1):c.905C>T (p.Ala302Val)

Gene: BRCA1 (BRCA1 DNA repair associated; minus strand). Cytogenetic location: 17q21.31.
Variant type: single nucleotide variant.
Coding change: c.905C>T on transcript NM_007294.4 (MANE Select); coding-DNA position 905, C replaced by T.
Protein change: p.Ala302Val; replaces alanine 302 with valine.
Molecular consequence: missense variant. On other transcripts: intron variant (137).
Genome position (GRCh38, 1-based): chr17:43,094,626, G>A on the plus strand (C>T on the coding strand, the complement: BRCA1 is on the minus strand). VCF-style: chr17-43094626-G-A. GRCh37 (hg19) VCF-style: chr17-41246643-G-A.
Other names: c.692C>T, p.Ala231Val (NM_001407571.1, NM_001407853.1, NM_001407894.1 and 9 more transcripts); c.905C>T, p.Ala302Val (NM_001407581.1, NM_001407582.1, NM_001407583.1 and 30 more transcripts); c.902C>T, p.Ala301Val (NM_001407587.1, NM_001407590.1, NM_001407591.1 and 22 more transcripts); c.896C>T, p.Ala299Val (NM_001407646.1, NM_001407647.1); c.782C>T, p.Ala261Val (NM_001407648.1, NM_001407664.1, NM_001407665.1 and 19 more transcripts); c.779C>T, p.Ala260Val (NM_001407649.1, NM_001407670.1, NM_001407671.1 and 11 more transcripts); c.827C>T, p.Ala276Val (NM_001407653.1, NM_001407654.1, NM_001407655.1 and 4 more transcripts); c.824C>T, p.Ala275Val (NM_001407659.1, NM_001407660.1, NM_001407661.1 and 1 more transcripts); and 40 more; short protein forms A255V, A302V, A134V, A190V, A191V, A213V, A235V, A254V.
Identifiers: ClinVar variation 1035776 (VCV001035776.23), dbSNP rs1418676444, ClinGen allele CA10600263.